The following is an entry in ClinVar:

ClinVar aggregate classification (germline): Pathogenic. Review status: criteria provided, multiple submitters, no conflicts (2 of 4 stars). 3 submissions from 3 submitters: Pathogenic (3). Last evaluated 2025-10-14.

Conditions:
Duchenne muscular dystrophy (DMD). Also called: MUSCULAR DYSTROPHY, PSEUDOHYPERTROPHIC PROGRESSIVE, DUCHENNE TYPE; Duchenne Muscular Dystrophy (DMD). Identifiers: Orphanet 98896, MedGen C0013264, MONDO:0010679, OMIM 310200.
Becker muscular dystrophy (BMD). Also called: Becker Muscular Dystrophy (BMD); MUSCULAR DYSTROPHY, PSEUDOHYPERTROPHIC PROGRESSIVE, BECKER TYPE. Identifiers: Orphanet 98895, MedGen C0917713, MONDO:0010311, OMIM 300376.

Submissions (4):

Athena Diagnostics
Classification: Pathogenic. Last evaluated: 2025-10-14. Review status: criteria provided, single submitter. Criteria: Athena Diagnostics Criteria. Collection method: clinical testing. Allele origin: unknown.
Comment: This variant is expected to severely impact normal RNA splicing, and consequently, protein structure and/or function. This variant has not been reported in large, multi-ethnic general populations. This variant has been identified in at least one individual with Duchenne muscular dystrophy.

Labcorp Genetics (formerly Invitae), Labcorp
Classification: Pathogenic for Duchenne muscular dystrophy. Last evaluated: 2022-12-23. Review status: criteria provided, single submitter. Criteria: Invitae Variant Classification Sherloc (09022015). Collection method: clinical testing. Allele origin: germline.
Comment: This sequence change affects a donor splice site in intron 62 of the DMD gene. It is expected to disrupt RNA splicing. Variants that disrupt the donor or acceptor splice site typically lead to a loss of protein function (PMID: 16199547), and loss-of-function variants in DMD are known to be pathogenic (PMID: 16770791, 25007885). This variant is not present in population databases (gnomAD no frequency). Disruption of this splice site has been observed in individuals with DMD-related conditions (PMID: 17041906, 17259292). ClinVar contains an entry for this variant (Variation ID: 576087). Algorithms developed to predict the effect of sequence changes on RNA splicing suggest that this variant may disrupt the consensus splice site. For these reasons, this variant has been classified as Pathogenic.

Clinical Genetics Service, Universitary Hospital 12 de Octubre
Classification: Pathogenic for Becker muscular dystrophy. Review status: criteria provided, single submitter. Criteria: ACMG Guidelines, 2015. Collection method: clinical testing. Allele origin: germline. Affected: yes.

Dr. Peter K. Rogan Lab, Western University
No classification provided (evidence only). Condition: Thyroid cancer, nonmedullary, 1. Review status: no classification provided. Collection method: in vitro. Allele origin: not applicable. Functional consequence: retained intron. Not counted in ClinVar's aggregate classification.

Literature cited by the submitters: PubMed 17259292 (cited by Athena Diagnostics and Labcorp Genetics (formerly Invitae), Labcorp); PubMed 17041906 (cited by Athena Diagnostics and Labcorp Genetics (formerly Invitae), Labcorp); PubMed 20098710 (cited by Athena Diagnostics); PubMed 38895972 (cited by Athena Diagnostics); PubMed 16199547 (cited by Labcorp Genetics (formerly Invitae), Labcorp); PubMed 16770791 (cited by Labcorp Genetics (formerly Invitae), Labcorp); PubMed 25007885 (cited by Labcorp Genetics (formerly Invitae), Labcorp).

NM_004006.3(DMD):c.9224+1G>A

Gene: DMD (dystrophin; minus strand). Cytogenetic location: Xp21.2.
Variant type: single nucleotide variant.
Coding change: c.9224+1G>A on transcript NM_004006.3 (MANE Select); the canonical splice donor site of the intron after coding-DNA position 9224, G replaced by A.
Molecular consequence: splice donor variant.
Genome position (GRCh38, 1-based): chrX:31,323,597, C>T on the plus strand (G>A on the coding strand, the complement: DMD is on the minus strand). VCF-style: chrX-31323597-C-T. GRCh37 (hg19) VCF-style: chrX-31341714-C-T.
Other names: c.9200+1G>A (NM_000109.4); c.5201+1G>A (NM_004011.4); c.5192+1G>A (NM_004012.4); c.1844+1G>A (NM_004023.3, NM_004020.4, NM_004022.3 and 2 more transcripts); c.1037+1G>A (NM_004014.3); c.9212+1G>A (NM_004009.3); c.8855+1G>A (NM_004010.3).
Identifiers: ClinVar variation 576087 (VCV000576087.12), dbSNP rs1569526122, ClinGen allele CA412651573.